The following is an entry in ClinVar:

NM_000263.4(NAGLU):c.709G>A (p.Gly237Ser)

Gene: NAGLU (N-acetyl-alpha-glucosaminidase; plus strand). Cytogenetic location: 17q21.2.
Variant type: single nucleotide variant.
Coding change: c.709G>A on transcript NM_000263.4 (MANE Select); coding-DNA position 709, G replaced by A.
Protein change: p.Gly237Ser; replaces glycine 237 with serine.
Molecular consequence: missense variant.
Genome position (GRCh38, 1-based): chr17:42,538,700, G>A. VCF-style: chr17-42538700-G-A. GRCh37 (hg19) VCF-style: chr17-40690718-G-A.
Other names: c.709G>A (NM_000263.3); short protein forms G237S.
Identifiers: ClinVar variation 1350971 (VCV001350971.6), dbSNP rs1347490896, ClinGen allele CA399598948.

ClinVar aggregate classification (germline): Uncertain significance. Review status: criteria provided, multiple submitters, no conflicts (2 of 4 stars). 2 submissions from 2 submitters: Uncertain significance (2). Last evaluated 2025-12-02.

Conditions:
Charcot-Marie-Tooth disease axonal type 2V. Also called: CHARCOT-MARIE-TOOTH NEUROPATHY, TYPE 2V; CHARCOT-MARIE-TOOTH DISEASE, AXONAL, AUTOSOMAL DOMINANT, TYPE 2V. Identifiers: Orphanet 447964, MedGen C5569050, MONDO:0014665, OMIM 616491.
Mucopolysaccharidosis, MPS-III-B (MPS3B). Also called: MPS IIIB (Sanfilippo Syndrome Type B); N-ACETYL-ALPHA-D-GLUCOSAMINIDASE DEFICIENCY; NAGLU DEFICIENCY; MUCOPOLYSACCHARIDOSIS, TYPE IIIB; Mucopolysaccharidosis type IIIB (Sanfilippo B); SANFILIPPO SYNDROME B. Identifiers: Orphanet 79270, MedGen C0086648, MONDO:0009656, OMIM 252920.
Inborn genetic diseases. Identifiers: MedGen C0950123, MeSH D030342.

Allele frequency attached by ClinVar (database versions not stated): gnomAD 0.00001 and 0.00002; TOPMed below 0.00001.
gnomAD v4.1: 7 of 1,613,960 alleles (0.00043%); highest among the groups gnomAD compares: East Asian, 0.0022%; no homozygotes.

Submissions (2):

Ambry Genetics
Classification: Uncertain significance for Inborn genetic diseases. Last evaluated: 2025-12-02. Review status: criteria provided, single submitter. Criteria: Ambry Variant Classification Scheme 2023. Collection method: clinical testing. Allele origin: germline.

Labcorp Genetics (formerly Invitae), Labcorp
Classification: Uncertain significance for Charcot-Marie-Tooth disease axonal type 2V; Mucopolysaccharidosis, MPS-III-B. Last evaluated: 2021-08-31. Review status: criteria provided, single submitter. Criteria: Invitae Variant Classification Sherloc (09022015). Collection method: clinical testing. Allele origin: germline.
Comment: This sequence change replaces glycine with serine at codon 237 of the NAGLU protein (p.Gly237Ser). The glycine residue is highly conserved and there is a small physicochemical difference between glycine and serine. This variant is not present in population databases (ExAC no frequency). This variant has not been reported in the literature in individuals affected with NAGLU-related conditions. Advanced modeling of protein sequence and biophysical properties (such as structural, functional, and spatial information, amino acid conservation, physicochemical variation, residue mobility, and thermodynamic stability) performed at Invitae indicates that this missense variant is expected to disrupt NAGLU protein function. Algorithms developed to predict the effect of sequence changes on RNA splicing suggest that this variant may create or strengthen a splice site. In summary, the available evidence is currently insufficient to determine the role of this variant in disease. Therefore, it has been classified as a Variant of Uncertain Significance.